The following is an entry in ClinVar:

ClinVar aggregate classification (germline): Uncertain significance (1 of 4 stars; one submission).

Conditions:
Familial intrahepatic cholestasis. Identifiers: Orphanet 284385, MedGen CN296401, MONDO:0017290.

gnomAD v4.1: 1 of 1,609,746 alleles (0.000062%); highest among the groups gnomAD compares: South Asian, 0.0011%; no homozygotes.

Submission:

Genomenon, Inc
Classification: Uncertain significance for Familial intrahepatic cholestasis. Last evaluated: 2026-04-14. Review status: criteria provided, single submitter. Criteria: Genomenon Sequence Variant Interpretation Standards - Updated. Collection method: curation. Allele origin: germline. Affected: yes.
Comment: ATP8B1 p.Asp273Gly (c.818A>G) is a missense variant that changes the amino acid at residue 273 from Aspartic acid to Glycine. This variant has been observed in at least one proband with features of ATP8B1-deficiency (PMID:18785905). It is absent or not present at a significant frequency in gnomAD. In silico models predict that this variant is possibly or probably damaging. In conclusion, we classify ATP8B1 p.Asp273Gly (c.818A>G) as a variant of uncertain significance.

Literature cited by the submitters: PubMed 18785905.

NM_001374385.1(ATP8B1):c.818A>G (p.Asp273Gly)

Gene: ATP8B1 (ATPase phospholipid transporting 8B1; minus strand). Cytogenetic location: 18q21.31.
Variant type: single nucleotide variant.
Coding change: c.818A>G on transcript NM_001374385.1 (MANE Select); coding-DNA position 818, A replaced by G.
Protein change: p.Asp273Gly; replaces aspartic acid 273 with glycine.
Molecular consequence: missense variant.
Genome position (GRCh38, 1-based): chr18:57,695,293, T>C on the plus strand (A>G on the coding strand, the complement: ATP8B1 is on the minus strand). VCF-style: chr18-57695293-T-C. GRCh37 (hg19) VCF-style: chr18-55362525-T-C.
Other names: c.668A>G, p.Asp223Gly (NM_001374386.1); c.818A>G, p.Asp273Gly (NM_005603.6); short protein forms D223G, D273G.
Identifiers: ClinVar variation 4846698 (VCV004846698.1).